The following is an entry in ClinVar:

ClinVar aggregate classification (germline): Uncertain significance (1 of 4 stars; one submission).

Conditions:
Dyskeratosis congenita, autosomal recessive 6 (DKCB6). Identifiers: MedGen C4225356, MONDO:0014600, OMIM 616353.
Pulmonary fibrosis and/or bone marrow failure, Telomere-related, 4. Also called: PULMONARY FIBROSIS AND/OR BONE MARROW FAILURE SYNDROME, TELOMERE-RELATED, 4. Identifiers: Orphanet 2032, MedGen C4225347, MONDO:0014612, OMIM 616371.

Allele frequency attached by ClinVar (database versions not stated): gnomAD exomes 0.00001; ExAC 0.00002.
gnomAD v4.1: 13 of 1,613,154 alleles (0.00081%); highest among the groups gnomAD compares: Middle Eastern, 0.033%; no homozygotes.

Submission:

Labcorp Genetics (formerly Invitae), Labcorp
Classification: Uncertain significance for Dyskeratosis congenita, autosomal recessive 6; Pulmonary fibrosis and/or bone marrow failure, Telomere-related, 4. Last evaluated: 2024-02-05. Review status: criteria provided, single submitter. Criteria: Invitae Variant Classification Sherloc (09022015). Collection method: clinical testing. Allele origin: germline.
Comment: This sequence change replaces alanine, which is neutral and non-polar, with threonine, which is neutral and polar, at codon 26 of the PARN protein (p.Ala26Thr). This variant is present in population databases (rs768398246, gnomAD 0.003%). This variant has not been reported in the literature in individuals affected with PARN-related conditions. ClinVar contains an entry for this variant (Variation ID: 1408459). Advanced modeling of protein sequence and biophysical properties (such as structural, functional, and spatial information, amino acid conservation, physicochemical variation, residue mobility, and thermodynamic stability) performed at Invitae indicates that this missense variant is not expected to disrupt PARN protein function with a negative predictive value of 80%. In summary, the available evidence is currently insufficient to determine the role of this variant in disease. Therefore, it has been classified as a Variant of Uncertain Significance.

NM_002582.4(PARN):c.76G>A (p.Ala26Thr)

Gene: PARN (poly(A)-specific ribonuclease; minus strand). Cytogenetic location: 16p13.12.
Variant type: single nucleotide variant.
Coding change: c.76G>A on transcript NM_002582.4 (MANE Select); coding-DNA position 76, G replaced by A.
Protein change: p.Ala26Thr; replaces alanine 26 with threonine.
Molecular consequence: missense variant. On other transcripts: 5 prime UTR variant (1).
Genome position (GRCh38, 1-based): chr16:14,629,618, C>T on the plus strand (G>A on the coding strand, the complement: PARN is on the minus strand). VCF-style: chr16-14629618-C-T. GRCh37 (hg19) VCF-style: chr16-14723475-C-T.
Other names: c.-108G>A (NM_001134477.3); c.76G>A, p.Ala26Thr (NM_001242992.2); short protein forms A26T.
Identifiers: ClinVar variation 1408459 (VCV001408459.8), dbSNP rs768398246, ClinGen allele CA7912549.
Genomic context (GRCh38, chr16:14,629,618, plus strand): 5'-ACTGCAAAGTGCTAGCCTGAGCTTGCAAGGGAGGGATACCTGAAAACTCCCCATCGATGG[C>T]GAAGAAGTCGGCCTCCTCTATGGCCTGGTACACTTTGTGAAGATTACTCTTAAAATCTGC-3'
Protein context (NP_002573.1, residues 16-36): YQAIEEADFF[Ala26Thr]IDGEFSGISD